The following is an entry in ClinVar:

NM_004963.4(GUCY2C):c.1093G>A (p.Gly365Ser)

Genes: GUCY2C (guanylate cyclase 2C; minus strand), GUCY2C-AS1 (GUCY2C antisense RNA 1; plus strand). Cytogenetic location: 12p12.3.
Variant type: single nucleotide variant.
Coding change: c.1093G>A on transcript NM_004963.4 (MANE Select); coding-DNA position 1093, G replaced by A.
Protein change: p.Gly365Ser; replaces glycine 365 with serine.
Molecular consequence: missense variant.
Genome position (GRCh38, 1-based): chr12:14,672,950, C>T on the plus strand (G>A on the coding strand, the complement: GUCY2C is on the minus strand). VCF-style: chr12-14672950-C-T. GRCh37 (hg19) VCF-style: chr12-14825884-C-T.
Other names: short protein forms G365S.
Identifiers: ClinVar variation 2551127 (VCV002551127.5), dbSNP rs749532194, ClinGen allele CA6463541.

ClinVar aggregate classification (germline): Uncertain significance. Review status: criteria provided, multiple submitters, no conflicts (2 of 4 stars). 2 submissions from 2 submitters: Uncertain significance (2). Last evaluated 2026-01-02.

Conditions:
Inborn genetic diseases. Identifiers: MedGen C0950123, MeSH D030342.

Allele frequency attached by ClinVar (database versions not stated): ExAC 0.00002; TOPMed 0.00002; gnomAD exomes 0.00001.
gnomAD v4.1: 13 of 1,592,976 alleles (0.00082%); highest among the groups gnomAD compares: Admixed American, 0.0033%; no homozygotes.

Submissions (2):

Labcorp Genetics (formerly Invitae), Labcorp
Classification: Uncertain significance. Last evaluated: 2026-01-02. Review status: criteria provided, single submitter. Criteria: Invitae Variant Classification Sherloc (09022015). Collection method: clinical testing. Allele origin: germline.
Comment: This sequence change replaces glycine, which is neutral and non-polar, with serine, which is neutral and polar, at codon 365 of the GUCY2C protein (p.Gly365Ser). This variant is present in population databases (rs749532194, gnomAD 0.007%). This variant has not been reported in the literature in individuals affected with GUCY2C-related conditions. ClinVar contains an entry for this variant (Variation ID: 2551127). Invitae Evidence Modeling of protein sequence and biophysical properties (such as structural, functional, and spatial information, amino acid conservation, physicochemical variation, residue mobility, and thermodynamic stability) indicates that this missense variant is expected to disrupt GUCY2C protein function with a positive predictive value of 80%. In summary, the available evidence is currently insufficient to determine the role of this variant in disease. Therefore, it has been classified as a Variant of Uncertain Significance.

Ambry Genetics
Classification: Uncertain significance for Inborn genetic diseases. Last evaluated: 2023-05-15. Review status: criteria provided, single submitter. Criteria: Ambry Variant Classification Scheme 2023. Collection method: clinical testing. Allele origin: germline.